The following is an entry in ClinVar:

ClinVar aggregate classification (germline): Uncertain significance (1 of 4 stars; one submission).

Conditions:
Primary dilated cardiomyopathy (DCM). Also called: Dilated Cardiomyopathy. Identifiers: Orphanet 217604, MedGen C0007193, MeSH D002311, MONDO:0005021, HP:0001644. Inheritance: Various modes of inheritance.
Hypertrophic cardiomyopathy. Also called: HYPERTROPHIC MYOCARDIOPATHY. Identifiers: Orphanet 217569, MedGen C0007194, MeSH D002312, MONDO:0005045, HP:0001639.

Submission:

Labcorp Genetics (formerly Invitae), Labcorp
Classification: Uncertain significance for Hypertrophic cardiomyopathy; Primary dilated cardiomyopathy. Last evaluated: 2022-04-28. Review status: criteria provided, single submitter. Criteria: Invitae Variant Classification Sherloc (09022015). Collection method: clinical testing. Allele origin: germline.
Comment: In summary, the available evidence is currently insufficient to determine the role of this variant in disease. Therefore, it has been classified as a Variant of Uncertain Significance. Algorithms developed to predict the effect of missense changes on protein structure and function (SIFT, PolyPhen-2, Align-GVGD) all suggest that this variant is likely to be disruptive. This variant has not been reported in the literature in individuals affected with PDLIM3-related conditions. This variant is not present in population databases (gnomAD no frequency). This sequence change replaces lysine, which is basic and polar, with asparagine, which is neutral and polar, at codon 70 of the PDLIM3 protein (p.Lys70Asn).

NM_014476.6(PDLIM3):c.210A>C (p.Lys70Asn)

Gene: PDLIM3 (PDZ and LIM domain 3; minus strand). Cytogenetic location: 4q35.1.
Variant type: single nucleotide variant.
Coding change: c.210A>C on transcript NM_014476.6 (MANE Select); coding-DNA position 210, A replaced by C.
Protein change: p.Lys70Asn; replaces lysine 70 with asparagine.
Molecular consequence: missense variant. On other transcripts: non-coding transcript variant (1), intron variant (1).
Genome position (GRCh38, 1-based): chr4:185,525,055, T>G on the plus strand (A>C on the coding strand, the complement: PDLIM3 is on the minus strand). VCF-style: chr4-185525055-T-G. GRCh37 (hg19) VCF-style: chr4-186446209-T-G.
Other names: c.210A>C, p.Lys70Asn (NM_001114107.5, NM_001257962.2); c.93+10287A>C (NM_001257963.2); short protein forms K70N.
Identifiers: ClinVar variation 2131166 (VCV002131166.4), dbSNP rs2478427409, ClinGen allele CA358928723.